The following is an entry in ClinVar:

NM_000466.3(PEX1):c.2455C>T (p.Arg819Cys)

Gene: PEX1 (peroxisomal biogenesis factor 1; minus strand). Cytogenetic location: 7q21.2.
Variant type: single nucleotide variant.
Coding change: c.2455C>T on transcript NM_000466.3 (MANE Select); coding-DNA position 2455, C replaced by T.
Protein change: p.Arg819Cys; replaces arginine 819 with cysteine.
Molecular consequence: missense variant.
Genome position (GRCh38, 1-based): chr7:92,501,635, G>A on the plus strand (C>T on the coding strand, the complement: PEX1 is on the minus strand). VCF-style: chr7-92501635-G-A. GRCh37 (hg19) VCF-style: chr7-92130949-G-A.
Other names: c.2284C>T, p.Arg762Cys (NM_001282677.2); c.1831C>T, p.Arg611Cys (NM_001282678.2); short protein forms R611C, R762C, R819C.
Identifiers: ClinVar variation 908620 (VCV000908620.5), dbSNP rs983157165, ClinGen allele CA161960063.

ClinVar aggregate classification (germline): Uncertain significance. Review status: criteria provided, multiple submitters, no conflicts (2 of 4 stars). 2 submissions from 2 submitters: Uncertain significance (2). Last evaluated 2021-12-19.

Conditions:
Zellweger spectrum disorders (ZS). Also called: Zellweger syndrome; Zellweger Spectrum Disorder (ZSD); Zellweger Spectrum Disorder; Zellweger Spectrum. Identifiers: Orphanet 912, MedGen C0043459, MONDO:0019609.
Peroxisome biogenesis disorder 1A (Zellweger) (PBD1A). Also called: Zellweger leukodystrophy; Peroxisome biogenesis disorder 1a. Identifiers: MedGen C4721541, MONDO:0008953, OMIM 214100.

Allele frequency attached by ClinVar (database versions not stated): gnomAD exomes 0.00001 and 0.00002; gnomAD 0.00002; TOPMed 0.00002.
gnomAD v4.1: 26 of 1,613,728 alleles (0.0016%); highest among the groups gnomAD compares: South Asian, 0.0033%; no homozygotes.

Submissions (2):

Labcorp Genetics (formerly Invitae), Labcorp
Classification: Uncertain significance for Zellweger spectrum disorders. Last evaluated: 2021-12-19. Review status: criteria provided, single submitter. Criteria: Invitae Variant Classification Sherloc (09022015). Collection method: clinical testing. Allele origin: germline.
Comment: This sequence change replaces arginine, which is basic and polar, with cysteine, which is neutral and slightly polar, at codon 819 of the PEX1 protein (p.Arg819Cys). This variant is present in population databases (no rsID available, gnomAD 0.003%). This variant has not been reported in the literature in individuals affected with PEX1-related conditions. ClinVar contains an entry for this variant (Variation ID: 908620). Advanced modeling of protein sequence and biophysical properties (such as structural, functional, and spatial information, amino acid conservation, physicochemical variation, residue mobility, and thermodynamic stability) performed at Invitae indicates that this missense variant is not expected to disrupt PEX1 protein function. In summary, the available evidence is currently insufficient to determine the role of this variant in disease. Therefore, it has been classified as a Variant of Uncertain Significance.

Illumina Laboratory Services, Illumina
Classification: Uncertain significance for Peroxisome biogenesis disorder 1A (Zellweger). Last evaluated: 2018-01-12. Review status: criteria provided, single submitter. Criteria: ICSL Variant Classification Criteria 13 December 2019. Collection method: clinical testing. Allele origin: germline.